The following is an entry in ClinVar:

ClinVar aggregate classification (germline): Uncertain significance. Review status: criteria provided, multiple submitters, no conflicts (2 of 4 stars). 3 submissions from 3 submitters: Uncertain significance (3). Last evaluated 2023-05-08.

Conditions:
Developmental and epileptic encephalopathy, 42 (DEE42A). Also called: DEVELOPMENTAL AND EPILEPTIC ENCEPHALOPATHY 42A; EPILEPTIC ENCEPHALOPATHY, EARLY INFANTILE, 42A; Epileptic encephalopathy, early infantile, 42. Identifiers: MedGen C4310716, MONDO:0014917, OMIM 617106.
Episodic ataxia type 2 (EA2). Also called: ACETAZOLAMIDE-RESPONSIVE HEREDITARY PAROXYSMAL CEREBELLAR ATAXIA; ATAXIA, EPISODIC, WITH NYSTAGMUS; ATAXIA, FAMILIAL PAROXYSMAL; CEREBELLAR ATAXIA, PAROXYSMAL, ACETAZOLAMIDE-RESPONSIVE; CEREBELLOPATHY, HEREDITARY PAROXYSMAL; EPISODIC ATAXIA, NYSTAGMUS-ASSOCIATED. Identifiers: Orphanet 97, MedGen C1720416, MONDO:0007163, OMIM 108500.

gnomAD v4.1: 7 of 1,527,368 alleles (0.00046%); highest among the groups gnomAD compares: Non-Finnish European, 0.00052%; no homozygotes.

Submissions (3):

Athena Diagnostics
Classification: Uncertain significance. Last evaluated: 2023-05-08. Review status: criteria provided, single submitter. Criteria: Athena Diagnostics Criteria. Collection method: clinical testing. Allele origin: unknown.
Comment: Available data are insufficient to determine the clinical significance of the variant at this time. This variant has not been reported in large, multi-ethnic general populations. Computational tools predict that this variant is not damaging.

Labcorp Genetics (formerly Invitae), Labcorp
Classification: Uncertain significance for Developmental and epileptic encephalopathy, 42; Episodic ataxia type 2. Last evaluated: 2022-06-10. Review status: criteria provided, single submitter. Criteria: Invitae Variant Classification Sherloc (09022015). Collection method: clinical testing. Allele origin: germline.
Comment: Advanced modeling of protein sequence and biophysical properties (such as structural, functional, and spatial information, amino acid conservation, physicochemical variation, residue mobility, and thermodynamic stability) performed at Invitae indicates that this missense variant is not expected to disrupt CACNA1A protein function. In summary, the available evidence is currently insufficient to determine the role of this variant in disease. Therefore, it has been classified as a Variant of Uncertain Significance. ClinVar contains an entry for this variant (Variation ID: 373221). This variant has not been reported in the literature in individuals affected with CACNA1A-related conditions. This variant is not present in population databases (gnomAD no frequency). This sequence change replaces glycine, which is neutral and non-polar, with arginine, which is basic and polar, at codon 954 of the CACNA1A protein (p.Gly954Arg).

GeneDx
Classification: Uncertain significance. Last evaluated: 2016-11-14. Review status: criteria provided, single submitter. Criteria: GeneDx Variant Classification (06012015). Collection method: clinical testing. Allele origin: germline. Affected: yes.
Comment: A variant of uncertain significance has been identified in the CACNA1A gene. The G954R variant has not been published as a pathogenic variant, nor has it been reported as a benign variant to our knowledge. It was not observed in approximately 3,900 individuals of European and African American ancestry in the NHLBI Exome Sequencing Project, indicating it is not a common benign variant in these populations. The G954R variant is a non-conservative amino acid substitution, which is likely to impact secondary protein structure as these residues differ in polarity, charge, size and/or other properties. This substitution occurs at a position that is conserved across species where amino acids with similar properties to Glycine are tolerated across species; however, Arginine has been seen in this position in evolution. In silico analysis is inconsistent in its predictions as to whether or not the variant is damaging to the protein structure/function. Therefore, based on the currently available information, it is unclear whether this variant is a pathogenic variant or a rare benign variant.

NM_001127222.2(CACNA1A):c.2857G>A (p.Gly953Arg)

Gene: CACNA1A (calcium voltage-gated channel subunit alpha1 A; minus strand). Cytogenetic location: 19p13.13.
Variant type: single nucleotide variant.
Coding change: c.2857G>A on transcript NM_001127222.2 (MANE Select); coding-DNA position 2857, G replaced by A.
Protein change: p.Gly953Arg; replaces glycine 953 with arginine.
Molecular consequence: missense variant.
Genome position (GRCh38, 1-based): chr19:13,298,776, C>T on the plus strand (G>A on the coding strand, the complement: CACNA1A is on the minus strand). VCF-style: chr19-13298776-C-T. GRCh37 (hg19) VCF-style: chr19-13409590-C-T.
Other names: c.2869G>A, p.Gly957Arg (NM_000068.4, NM_023035.3); c.2860G>A, p.Gly954Arg (NM_001127221.2, NM_001174080.2); c.2860G>A (NM_000068.2); short protein forms G954R, G957R, G953R.
Identifiers: ClinVar variation 373221 (VCV000373221.12), dbSNP rs1057518292, ClinGen allele CA16043087.